The following is an entry in ClinVar:

NM_000388.4(CASR):c.1542T>G (p.Tyr514Ter)

Gene: CASR (calcium sensing receptor; plus strand). Cytogenetic location: 3q21.1.
Variant type: single nucleotide variant.
Coding change: c.1542T>G on transcript NM_000388.4 (MANE Select); coding-DNA position 1542, T replaced by G.
Protein change: p.Tyr514Ter; replaces tyrosine 514 with a stop codon.
Molecular consequence: nonsense.
Genome position (GRCh38, 1-based): chr3:122,275,976, T>G. VCF-style: chr3-122275976-T-G. GRCh37 (hg19) VCF-style: chr3-121994823-T-G.
Other names: c.1542T>G, p.Tyr514Ter (NM_001178065.2); short protein forms Y514*.
Identifiers: ClinVar variation 1453597 (VCV001453597.6), dbSNP rs2074814252, ClinGen allele CA354155346.

ClinVar aggregate classification (germline): Pathogenic (1 of 4 stars; one submission).

Conditions:
Autosomal dominant hypocalcemia 1 (HYPOC1). Also called: HYPOCALCEMIA, FAMILIAL. Identifiers: MedGen C3715128, MONDO:0011013, OMIM 601198.
Familial hypocalciuric hypercalcemia (FHH). Also called: Familial benign hypercalcemia. Identifiers: Orphanet 405, MedGen C1809471, MONDO:0018458.

Allele frequency attached by ClinVar (database versions not stated): TOPMed below 0.00001.

Submission:

Labcorp Genetics (formerly Invitae), Labcorp
Classification: Pathogenic for Familial hypocalciuric hypercalcemia; Autosomal dominant hypocalcemia 1. Last evaluated: 2021-10-01. Review status: criteria provided, single submitter. Criteria: Invitae Variant Classification Sherloc (09022015). Collection method: clinical testing. Allele origin: germline.
Comment: For these reasons, this variant has been classified as Pathogenic. Algorithms developed to predict the effect of sequence changes on RNA splicing suggest that this variant may create or strengthen a splice site. This variant has not been reported in the literature in individuals affected with CASR-related conditions. This variant is not present in population databases (ExAC no frequency). This sequence change creates a premature translational stop signal (p.Tyr514*) in the CASR gene. It is expected to result in an absent or disrupted protein product. Loss-of-function variants in CASR are known to be pathogenic (PMID: 22422767).

Literature cited by the submitters: PubMed 22422767.